The following is an entry in ClinVar:

ClinVar aggregate classification (germline): Uncertain significance (1 of 4 stars; one submission).

Conditions:
HNSHA due to aldolase A deficiency (GSD12). Also called: GLYCOGEN STORAGE DISEASE XII; GSD XII; RED CELL ALDOLASE DEFICIENCY; Glycogen storage disease due to aldolase A deficiency. Identifiers: Orphanet 57, MedGen C0272066, MONDO:0012747, OMIM 611881.

Allele frequency attached by ClinVar (database versions not stated): gnomAD 0.00001; TOPMed 0.00001.
gnomAD v4.1: 4 of 1,613,662 alleles (0.00025%); highest among the groups gnomAD compares: Non-Finnish European, 0.00025%; no homozygotes.

Submission:

Labcorp Genetics (formerly Invitae), Labcorp
Classification: Uncertain significance for HNSHA due to aldolase A deficiency. Last evaluated: 2021-12-24. Review status: criteria provided, single submitter. Criteria: Invitae Variant Classification Sherloc (09022015). Collection method: clinical testing. Allele origin: germline.
Comment: In summary, the available evidence is currently insufficient to determine the role of this variant in disease. Therefore, it has been classified as a Variant of Uncertain Significance. Algorithms developed to predict the effect of missense changes on protein structure and function (SIFT, PolyPhen-2, Align-GVGD) all suggest that this variant is likely to be tolerated. This variant has not been reported in the literature in individuals affected with ALDOA-related conditions. This variant is present in population databases (no rsID available, gnomAD 0.007%). This sequence change replaces proline, which is neutral and non-polar, with leucine, which is neutral and non-polar, at codon 26 of the ALDOA protein (p.Pro26Leu).

NM_001243177.4(ALDOA):c.239C>T (p.Pro80Leu)

Genes: ALDOA (aldolase, fructose-bisphosphate A; plus strand), LOC112694756 (uncharaterized LOC112694756; plus strand). Cytogenetic location: 16p11.2.
Variant type: single nucleotide variant.
Coding change: c.239C>T on transcript NM_001243177.4 (MANE Select); coding-DNA position 239, C replaced by T.
Protein change: p.Pro80Leu; replaces proline 80 with leucine.
Molecular consequence: missense variant. On other transcripts: 3 prime UTR variant (3).
Genome position (GRCh38, 1-based): chr16:30,067,331, C>T. VCF-style: chr16-30067331-C-T. GRCh37 (hg19) VCF-style: chr16-30078652-C-T.
Other names: c.*586C>T (NM_001365304.2, NM_001365305.2, NM_001365307.2); c.77C>T, p.Pro26Leu (NM_001127617.2, NM_184041.5, NM_184043.2); short protein forms P26L, P80L.
Identifiers: ClinVar variation 1929654 (VCV001929654.5), dbSNP rs545350470, ClinGen allele CA395485385.